The following is an entry in ClinVar:

ClinVar aggregate classification (germline): Likely benign. Review status: criteria provided, multiple submitters, no conflicts (2 of 4 stars). 2 submissions from 2 submitters: Likely benign (2). Last evaluated 2025-12-05.

Allele frequency attached by ClinVar (database versions not stated): ExAC 0.00007; ESP Exome Variant Server 0.00008; gnomAD 0.00009; gnomAD exomes 0.00009 and 0.00010; TOPMed 0.00013.
gnomAD v4.1: 144 of 1,613,582 alleles (0.0089%); highest among the groups gnomAD compares: Admixed American, 0.033%; no homozygotes.

Submissions (2):

Labcorp Genetics (formerly Invitae), Labcorp
Classification: Likely benign. Last evaluated: 2025-12-05. Review status: criteria provided, single submitter. Criteria: Invitae Variant Classification Sherloc (09022015). Collection method: clinical testing. Allele origin: germline.

CeGaT Center for Human Genetics Tuebingen
Classification: Likely benign. Last evaluated: 2022-11-01. Review status: criteria provided, single submitter. Criteria: CeGaT Center For Human Genetics Tuebingen Variant Classification Criteria Version 2. Collection method: clinical testing. Allele origin: germline. Affected: yes. Observed: 1 variant allele.
Comment: PCLO: BP4, BP7

NM_033026.6(PCLO):c.14628T>C (p.His4876=)

Gene: PCLO (piccolo presynaptic cytomatrix protein; minus strand). Cytogenetic location: 7q21.11.
Variant type: single nucleotide variant.
Coding change: c.14628T>C on transcript NM_033026.6 (MANE Select); coding-DNA position 14628, T replaced by C.
Protein change: p.His4876=; no amino-acid change (histidine 4876 retained).
Molecular consequence: synonymous variant.
Genome position (GRCh38, 1-based): chr7:82,822,658, A>G on the plus strand (T>C on the coding strand, the complement: PCLO is on the minus strand). VCF-style: chr7-82822658-A-G. GRCh37 (hg19) VCF-style: chr7-82451974-A-G.
Other names: c.14628T>C, p.His4876= (NM_014510.3).
Identifiers: ClinVar variation 1537600 (VCV001537600.31), dbSNP rs367965146, ClinGen allele CA4318749.
Genomic context (GRCh38, chr7:82,822,658, plus strand): 5'-AGATGGTCCATGAGAACGGAGATGGCCTTCTGATGATGATTTTGAGCTACCAGGACTACT[A>G]TGGGATTTCTCAATGGTGGGAACCTGCATGTCTGGTCACAAAAGGGTAAAACATGAGTTA-3'
Protein context (NP_149015.2, residues 4866-4886): DMQVPTIEKS[His4876=]SSPGSSKSSS